The following is an entry in ClinVar:

NM_000080.4(CHRNE):c.1327-3C>T

Gene: CHRNE (cholinergic receptor nicotinic epsilon subunit; minus strand). Cytogenetic location: 17p13.2.
Variant type: single nucleotide variant.
Coding change: c.1327-3C>T on transcript NM_000080.4 (MANE Select); 3 bases into the intron before coding-DNA position 1327, C replaced by T.
Molecular consequence: intron variant.
Genome position (GRCh38, 1-based): chr17:4,898,894, G>A on the plus strand (C>T on the coding strand, the complement: CHRNE is on the minus strand). VCF-style: chr17-4898894-G-A. GRCh37 (hg19) VCF-style: chr17-4802189-G-A.
Identifiers: ClinVar variation 966350 (VCV000966350.7), dbSNP rs749489742, ClinGen allele CA8313856.

ClinVar aggregate classification (germline): Uncertain significance. Review status: criteria provided, single submitter (1 of 4 stars). 2 submissions from 2 submitters: Uncertain significance (1). 1 of the submissions does not count toward it. Last evaluated 2025-01-12.

Conditions:
Congenital myasthenic syndrome (CMS). Also called: Congenital Myasthenic Syndromes. Identifiers: Orphanet 590, MedGen C0751882, MeSH D020294, MONDO:0018940.
Congenital myasthenic syndrome 4A. Also called: Myasthenic syndrome, congenital, 4a, slow-channel; MYASTHENIC SYNDROME, CONGENITAL, 4A, SLOW-CHANNEL, AUTOSOMAL RECESSIVE; CONGENITAL MYASTHENIC SYNDROME TYPE Ia1. Identifiers: Orphanet 590, MedGen C4225413, MONDO:0011600, OMIM 605809.

Allele frequency attached by ClinVar (database versions not stated): gnomAD exomes 0.00001 and 0.00004; gnomAD 0.00014 and 0.00013; ExAC 0.00003; TOPMed 0.00008.
gnomAD v4.1: 32 of 1,576,452 alleles (0.002%); highest among the groups gnomAD compares: Admixed American, 0.051%; no homozygotes.

Submissions (2):

Labcorp Genetics (formerly Invitae), Labcorp
Classification: Uncertain significance for Congenital myasthenic syndrome 4A. Last evaluated: 2025-01-12. Review status: criteria provided, single submitter. Criteria: Invitae Variant Classification Sherloc (09022015). Collection method: clinical testing. Allele origin: germline.
Comment: This sequence change falls in intron 11 of the CHRNE gene. It does not directly change the encoded amino acid sequence of the CHRNE protein. It affects a nucleotide within the consensus splice site. This variant is present in population databases (rs749489742, gnomAD 0.03%). This variant has not been reported in the literature in individuals affected with CHRNE-related conditions. ClinVar contains an entry for this variant (Variation ID: 966350). Variants that disrupt the consensus splice site are a relatively common cause of aberrant splicing (PMID: 17576681, 9536098). Algorithms developed to predict the effect of sequence changes on RNA splicing suggest that this variant is not likely to affect RNA splicing. In summary, the available evidence is currently insufficient to determine the role of this variant in disease. Therefore, it has been classified as a Variant of Uncertain Significance.

Natera, Inc.
Classification: Uncertain significance for Congenital myasthenic syndrome. Last evaluated: 2020-04-13. Review status: no assertion criteria provided. Collection method: clinical testing. Allele origin: germline. Not counted in ClinVar's aggregate classification.

Literature cited by the submitters: PubMed 17576681 (cited by Labcorp Genetics (formerly Invitae), Labcorp); PubMed 9536098 (cited by Labcorp Genetics (formerly Invitae), Labcorp).